The following is an entry in ClinVar:

ClinVar aggregate classification (germline): Uncertain significance (1 of 4 stars; one submission).

Conditions:
Cardiovascular phenotype. Identifiers: MedGen CN230736.

Submission:

Ambry Genetics
Classification: Uncertain significance for Cardiovascular phenotype. Last evaluated: 2026-02-11. Review status: criteria provided, single submitter. Criteria: Ambry Variant Classification Scheme 2023. Collection method: clinical testing. Allele origin: germline.
Comment: The p.E113D variant (also known as c.339A>C), located in coding exon 3 of the ANKRD1 gene, results from an A to C substitution at nucleotide position 339. The glutamic acid at codon 113 is replaced by aspartic acid, an amino acid with highly similar properties. This amino acid position is well conserved in available vertebrate species. In addition, this alteration is predicted to be tolerated by in silico analysis. The evidence for this gene-disease relationship is limited; therefore, the clinical significance of this variant is unclear.

NM_014391.3(ANKRD1):c.339A>C (p.Glu113Asp)

Gene: ANKRD1 (ankyrin repeat domain 1; minus strand). Cytogenetic location: 10q23.31.
Variant type: single nucleotide variant.
Coding change: c.339A>C on transcript NM_014391.3 (MANE Select); coding-DNA position 339, A replaced by C.
Protein change: p.Glu113Asp; replaces glutamic acid 113 with aspartic acid.
Molecular consequence: missense variant.
Genome position (GRCh38, 1-based): chr10:90,919,137, T>G on the plus strand (A>C on the coding strand, the complement: ANKRD1 is on the minus strand). VCF-style: chr10-90919137-T-G. GRCh37 (hg19) VCF-style: chr10-92678894-T-G.
Other names: short protein forms E113D.
Identifiers: ClinVar variation 4845045 (VCV004845045.1).
Genomic context (GRCh38, chr10:90,919,137, plus strand): 5'-CCTGTAGCACAACACTGGACATGTATTACTGGAAACCAAAAAAAAAGCCCTTACAATGAT[T>G]TCAGGTTCTGGTTCCTTTACAACTGGAACTTTAGTTTTCCTGTATTTTTTCCTTTTCTTC-3'
Protein context (NP_055206.2, residues 103-123): KVPVVKEPEP[Glu113Asp]IITEPVDVPT